The following is an entry in ClinVar:

ClinVar aggregate classification (germline): Conflicting classifications of pathogenicity. Review status: criteria provided, conflicting classifications (1 of 4 stars). 2 submissions from 2 submitters: Uncertain significance (1); Likely benign (1). Last evaluated 2024-02-13.

Conditions:
Hereditary nonpolyposis colorectal neoplasms. Identifiers: MedGen C0009405, MeSH D003123.
Mismatch repair cancer syndrome 1 (MMRCS1). Also called: BRAIN TUMOR-POLYPOSIS SYNDROME 1; BTP1 SYNDROME; CHILDHOOD CANCER SYNDROME; MISMATCH REPAIR DEFICIENCY; MMR DEFICIENCY. Identifiers: Orphanet 252202, MedGen C5399763, MONDO:0010159, OMIM 276300. Disease mechanism: loss of function.

Submissions (2):

Labcorp Genetics (formerly Invitae), Labcorp
Classification: Likely benign for Hereditary nonpolyposis colorectal neoplasms. Last evaluated: 2024-02-13. Review status: criteria provided, single submitter. Criteria: Invitae Variant Classification Sherloc (09022015). Collection method: clinical testing. Allele origin: germline.

Centre for Mendelian Genomics, University Medical Centre Ljubljana
Classification: Uncertain significance for Mismatch repair cancer syndrome 1. Last evaluated: 2018-11-04. Review status: criteria provided, single submitter. Criteria: ACMG Guidelines, 2015. Collection method: clinical testing. Allele origin: unknown. Affected: yes.
Comment: This variant was classified as: Uncertain significance. The available evidence on this variant's pathogenicity is insufficient or conflicting. The following ACMG criteria were applied in classifying this variant: PM2,BP4.

NM_000535.7(PMS2):c.164-4C>G

Gene: PMS2 (PMS1 homolog 2, mismatch repair system component; minus strand). Cytogenetic location: 7p22.1.
Variant type: single nucleotide variant.
Coding change: c.164-4C>G on transcript NM_000535.7 (MANE Select); 4 bases into the intron before coding-DNA position 164, C replaced by G.
Molecular consequence: intron variant.
Genome position (GRCh38, 1-based): chr7:6,004,062, G>C on the plus strand (C>G on the coding strand, the complement: PMS2 is on the minus strand). VCF-style: chr7-6004062-G-C. GRCh37 (hg19) VCF-style: chr7-6043693-G-C.
Other names: c.-52-4C>G (NM_001322008.2, NM_001322007.2); c.-242-4C>G (NM_001322010.2, NM_001322004.2, NM_001322013.2 and 3 more transcripts); c.-721-4C>G (NM_001322012.2, NM_001322011.2); c.-321-4C>G (NM_001322015.2); c.164-4C>G (NM_001322006.2, NM_001322014.2).
Identifiers: ClinVar variation 930973 (VCV000930973.12), dbSNP rs876658444, ClinGen allele CA1139659972.